The following is an entry in ClinVar:

NM_001556.3(IKBKB):c.1739-1G>T

Gene: IKBKB (inhibitor of nuclear factor kappa B kinase subunit beta; plus strand). Cytogenetic location: 8p11.21.
Variant type: single nucleotide variant.
Coding change: c.1739-1G>T on transcript NM_001556.3 (MANE Select); the canonical splice acceptor site of the intron before coding-DNA position 1739, G replaced by T.
Molecular consequence: splice acceptor variant.
Genome position (GRCh38, 1-based): chr8:42,322,053, G>T. VCF-style: chr8-42322053-G-T. GRCh37 (hg19) VCF-style: chr8-42179571-G-T.
Other names: c.1562-1G>T (NM_001242778.2); c.1547-1G>T (NM_001190720.3).
Identifiers: ClinVar variation 4736159 (VCV004736159.1).

ClinVar aggregate classification (germline): Likely pathogenic (1 of 4 stars; one submission).

Conditions:
Severe combined immunodeficiency due to IKK2 deficiency. Also called: IMMUNODEFICIENCY 15B; Immunodeficiency 15. Identifiers: Orphanet 397787, MedGen C4747743, MONDO:0014267, OMIM 615592.

Submission:

Labcorp Genetics (formerly Invitae), Labcorp
Classification: Likely pathogenic for Severe combined immunodeficiency due to IKK2 deficiency. Last evaluated: 2026-01-25. Review status: criteria provided, single submitter. Criteria: Invitae Variant Classification Sherloc (09022015). Collection method: clinical testing. Allele origin: germline.
Comment: This sequence change affects an acceptor splice site in intron 17 of the IKBKB gene. It is expected to disrupt RNA splicing. Variants that disrupt the donor or acceptor splice site typically lead to a loss of protein function (PMID: 16199547), and loss-of-function variants in IKBKB are known to be pathogenic (PMID: 24369075, 24679846). This variant is not present in population databases (gnomAD no frequency). This variant has not been reported in the literature in individuals affected with IKBKB-related conditions. Algorithms developed to predict the effect of sequence changes on RNA splicing suggest that this variant may disrupt the consensus splice site. In summary, the currently available evidence indicates that the variant is pathogenic, but additional data are needed to prove that conclusively. Therefore, this variant has been classified as Likely Pathogenic.

Literature cited by the submitters: PubMed 16199547; PubMed 24369075; PubMed 24679846.